The following is an entry in ClinVar:

ClinVar aggregate classification (germline): Uncertain significance. Review status: criteria provided, multiple submitters, no conflicts (2 of 4 stars). 2 submissions from 2 submitters: Uncertain significance (2). Last evaluated 2025-08-13.

Submissions (2):

Ambry Genetics
Classification: Uncertain significance. Last evaluated: 2025-08-13. Review status: criteria provided, single submitter. Criteria: Ambry Variant Classification Scheme 2023. Collection method: clinical testing. Allele origin: germline.

Labcorp Genetics (formerly Invitae), Labcorp
Classification: Uncertain significance. Last evaluated: 2024-04-22. Review status: criteria provided, single submitter. Criteria: Invitae Variant Classification Sherloc (09022015). Collection method: clinical testing. Allele origin: germline.
Comment: This sequence change replaces alanine, which is neutral and non-polar, with valine, which is neutral and non-polar, at codon 1274 of the CASZ1 protein (p.Ala1274Val). This variant is not present in population databases (gnomAD no frequency). This variant has not been reported in the literature in individuals affected with CASZ1-related conditions. An algorithm developed to predict the effect of missense changes on protein structure and function (PolyPhen-2) suggests that this variant is likely to be disruptive. In summary, the available evidence is currently insufficient to determine the role of this variant in disease. Therefore, it has been classified as a Variant of Uncertain Significance.

NM_001079843.3(CASZ1):c.3821C>T (p.Ala1274Val)

Gene: CASZ1 (castor zinc finger 1; minus strand). Cytogenetic location: 1p36.22.
Variant type: single nucleotide variant.
Coding change: c.3821C>T on transcript NM_001079843.3 (MANE Select); coding-DNA position 3821, C replaced by T.
Protein change: p.Ala1274Val; replaces alanine 1274 with valine.
Molecular consequence: missense variant.
Genome position (GRCh38, 1-based): chr1:10,644,964, G>A on the plus strand (C>T on the coding strand, the complement: CASZ1 is on the minus strand). VCF-style: chr1-10644964-G-A. GRCh37 (hg19) VCF-style: chr1-10705021-G-A.
Other names: c.3821C>T (NM_001079843.1); short protein forms A1274V.
Identifiers: ClinVar variation 3674215 (VCV003674215.3).